The following is an entry in ClinVar:

NM_006941.4(SOX10):c.198C>G (p.Asp66Glu)

Genes: POLR2F (RNA polymerase II, I and III subunit F; plus strand), SOX10 (SRY-box transcription factor 10; minus strand). Cytogenetic location: 22q13.1.
Variant type: single nucleotide variant.
Coding change: c.198C>G on transcript NM_006941.4 (MANE Select); coding-DNA position 198, C replaced by G.
Protein change: p.Asp66Glu; replaces aspartic acid 66 with glutamic acid.
Molecular consequence: missense variant. On other transcripts: intron variant (3).
Genome position (GRCh38, 1-based): chr22:37,983,587, G>C on the plus strand (C>G on the coding strand, the complement: SOX10 is on the minus strand). VCF-style: chr22-37983587-G-C. GRCh37 (hg19) VCF-style: chr22-38379594-G-C.
Other names: c.*38+11277G>C (NM_001363825.1); c.294-2567G>C (NM_001301130.2); c.293+16417G>C (NM_001301131.2); short protein forms D66E.
Identifiers: ClinVar variation 3366050 (VCV003366050.1).
Genomic context (GRCh38, chr22:37,983,587, plus strand): 5'-CGTCCAGTCGTAGCCGCTGAGCACCTGGCTGACGGCCTCGCGGATGCACACGGGGAACTT[G>C]TCATCGTCCGCCTCGCCGTCCTGCTGCTCCTTCTTGACCTTGCCCAGCTCGCCTGGCCCC-3'
Protein context (NP_008872.1, residues 56-76): KEQQDGEADD[Asp66Glu]KFPVCIREAV

ClinVar aggregate classification (germline): Uncertain significance (1 of 4 stars; one submission).

gnomAD v4.1: 1 of 1,609,710 alleles (0.000062%); highest among the groups gnomAD compares: Non-Finnish European, 0.000085%; no homozygotes.

Submission:

GeneDx
Classification: Uncertain significance. Last evaluated: 2023-10-12. Review status: criteria provided, single submitter. Criteria: GeneDx Variant Classification Process June 2021. Collection method: clinical testing. Allele origin: germline. Affected: yes.
Comment: Not observed at significant frequency in large population cohorts (gnomAD); In silico analysis supports that this missense variant does not alter protein structure/function; Has not been previously published as pathogenic or benign to our knowledge